The following is an entry in ClinVar:

ClinVar aggregate classification (germline): Uncertain significance. Review status: criteria provided, multiple submitters, no conflicts (2 of 4 stars). 4 submissions from 4 submitters: Uncertain significance (4). Last evaluated 2025-05-07.

Conditions:
Familial cancer of breast. Also called: Hereditary breast cancer; hereditary breast carcinoma; BREAST CANCER, FAMILIAL. Identifiers: Orphanet 227535, MedGen C0346153, MONDO:0016419, OMIM 114480. Disease mechanism: loss of function.
Ataxia-telangiectasia syndrome (AT). Also called: Ataxia telangiectasia (A-T); ATAXIA-TELANGIECTASIA, COMPLEMENTATION GROUP A; ATAXIA-TELANGIECTASIA, FRESNO VARIANT; Ataxia-telangiectasia; Ataxia-telangiectasia, complementation group E; LOUIS-BAR SYNDROME. Identifiers: Orphanet 100, MedGen C0004135, MONDO:0008840, OMIM 208900.
Hereditary cancer-predisposing syndrome. Also called: Neoplastic Syndromes, Hereditary; Tumor predisposition; Hereditary Cancer Syndrome; Hereditary neoplastic syndrome. Identifiers: Orphanet 140162, MedGen C0027672, MeSH D009386, MONDO:0015356.

Submissions (4):

Ambry Genetics
Classification: Uncertain significance for Hereditary cancer-predisposing syndrome. Last evaluated: 2025-05-07. Review status: criteria provided, single submitter. Criteria: Ambry Variant Classification Scheme 2023. Collection method: clinical testing. Allele origin: germline.
Comment: The p.D2721V variant (also known as c.8162A>T), located in coding exon 55 of the ATM gene, results from an A to T substitution at nucleotide position 8162. The aspartic acid at codon 2721 is replaced by valine, an amino acid with highly dissimilar properties. This amino acid position is highly conserved in available vertebrate species. In addition, this alteration is predicted to be deleterious by in silico analysis. Based on the available evidence, the clinical significance of this variant remains unclear.

Labcorp Genetics (formerly Invitae), Labcorp
Classification: Uncertain significance for Ataxia-telangiectasia syndrome. Last evaluated: 2023-07-12. Review status: criteria provided, single submitter. Criteria: Invitae Variant Classification Sherloc (09022015). Collection method: clinical testing. Allele origin: germline.
Comment: This sequence change replaces aspartic acid, which is acidic and polar, with valine, which is neutral and non-polar, at codon 2721 of the ATM protein (p.Asp2721Val). This variant is not present in population databases (gnomAD no frequency). ClinVar contains an entry for this variant (Variation ID: 1038622). This variant has not been reported in the literature in individuals affected with ATM-related conditions. In summary, the available evidence is currently insufficient to determine the role of this variant in disease. Therefore, it has been classified as a Variant of Uncertain Significance. An algorithm developed to predict the effect of missense changes on protein structure and function (PolyPhen-2) suggests that this variant is likely to be disruptive.

Baylor Genetics
Classification: Uncertain significance for Familial cancer of breast. Last evaluated: 2023-06-04. Review status: criteria provided, single submitter. Criteria: ACMG Guidelines, 2015. Collection method: clinical testing. Allele origin: unknown.

GeneDx
Classification: Uncertain significance. Last evaluated: 2023-05-01. Review status: criteria provided, single submitter. Criteria: GeneDx Variant Classification Process June 2021. Collection method: clinical testing. Allele origin: germline. Affected: yes.
Comment: Not observed at significant frequency in large population cohorts (gnomAD); In silico analysis supports that this missense variant has a deleterious effect on protein structure/function; Has not been previously published as pathogenic or benign to our knowledge; This variant is associated with the following publications: (PMID: 23532176, 15279808)

NM_000051.4(ATM):c.8162A>T (p.Asp2721Val)

Genes: ATM (ATM serine/threonine kinase; plus strand), C11orf65 (chromosome 11 open reading frame 65; minus strand). Cytogenetic location: 11q22.3.
Variant type: single nucleotide variant.
Coding change: c.8162A>T on transcript NM_000051.4 (MANE Select); coding-DNA position 8162, A replaced by T.
Protein change: p.Asp2721Val; replaces aspartic acid 2721 with valine.
Molecular consequence: missense variant. On other transcripts: intron variant (2).
Genome position (GRCh38, 1-based): chr11:108,335,855, A>T. VCF-style: chr11-108335855-A-T. GRCh37 (hg19) VCF-style: chr11-108206582-A-T.
Other names: c.8162A>T, p.Asp2721Val (NM_001351834.2); c.641-26784T>A (NM_001330368.2); c.695-563T>A (NM_001351110.2); short protein forms D2721V.
Identifiers: ClinVar variation 1038622 (VCV001038622.13), dbSNP rs1555128280, ClinGen allele CA382562477.